The following is an entry in ClinVar:

NM_001194998.2(CEP152):c.1348C>T (p.Gln450Ter)

Gene: CEP152 (centrosomal protein 152; minus strand). Cytogenetic location: 15q21.1.
Variant type: single nucleotide variant.
Coding change: c.1348C>T on transcript NM_001194998.2 (MANE Select); coding-DNA position 1348, C replaced by T.
Protein change: p.Gln450Ter; replaces glutamine 450 with a stop codon.
Molecular consequence: nonsense.
Genome position (GRCh38, 1-based): chr15:48,782,204, G>A on the plus strand (C>T on the coding strand, the complement: CEP152 is on the minus strand). VCF-style: chr15-48782204-G-A. GRCh37 (hg19) VCF-style: chr15-49074401-G-A.
Other names: c.1348C>T, p.Gln450Ter (NM_014985.4); short protein forms Q450*.
Identifiers: ClinVar variation 2960295 (VCV002960295.3), dbSNP rs373792012, ClinGen allele CA7548864.

ClinVar aggregate classification (germline): Pathogenic (1 of 4 stars; one submission).

Allele frequency attached by ClinVar (database versions not stated): gnomAD 0.00001; gnomAD exomes 0.00001; ExAC 0.00002; TOPMed 0.00002.

Submission:

Labcorp Genetics (formerly Invitae), Labcorp
Classification: Pathogenic. Last evaluated: 2023-03-24. Review status: criteria provided, single submitter. Criteria: Invitae Variant Classification Sherloc (09022015). Collection method: clinical testing. Allele origin: germline.
Comment: For these reasons, this variant has been classified as Pathogenic. This sequence change creates a premature translational stop signal (p.Gln450*) in the CEP152 gene. It is expected to result in an absent or disrupted protein product. Loss-of-function variants in CEP152 are known to be pathogenic (PMID: 21131973). This variant is present in population databases (rs373792012, gnomAD 0.04%). This variant has not been reported in the literature in individuals affected with CEP152-related conditions.

Literature cited by the submitters: PubMed 21131973.